The following is an entry in ClinVar:

NM_198525.3(KIF7):c.914A>G (p.Lys305Arg)

Gene: KIF7 (kinesin family member 7; minus strand). Cytogenetic location: 15q26.1.
Variant type: single nucleotide variant.
Coding change: c.914A>G on transcript NM_198525.3 (MANE Select); coding-DNA position 914, A replaced by G.
Protein change: p.Lys305Arg; replaces lysine 305 with arginine.
Molecular consequence: missense variant.
Genome position (GRCh38, 1-based): chr15:89,648,983, T>C on the plus strand (A>G on the coding strand, the complement: KIF7 is on the minus strand). VCF-style: chr15-89648983-T-C. GRCh37 (hg19) VCF-style: chr15-90192214-T-C.
Other names: short protein forms K305R.
Identifiers: ClinVar variation 1515858 (VCV001515858.6), dbSNP rs1411628239, ClinGen allele CA393773762.

ClinVar aggregate classification (germline): Uncertain significance (1 of 4 stars; one submission).

Conditions:
Acrocallosal syndrome (ACLS). Also called: HALLUX DUPLICATION, POSTAXIAL POLYDACTYLY, AND ABSENCE OF CORPUS CALLOSUM; Schinzel syndrome 1; Absence of corpus callosum with unusual facial appearance, mental deficiency, duplication of the halluces and polydactyly. Identifiers: Orphanet 36, MedGen C0796147, MONDO:0008708, OMIM 200990.

Allele frequency attached by ClinVar (database versions not stated): gnomAD exomes below 0.00001.
gnomAD v4.1: 1 of 1,538,522 alleles (0.000065%); highest among the groups gnomAD compares: Non-Finnish European, 0.000088%; no homozygotes.

Submission:

Labcorp Genetics (formerly Invitae), Labcorp
Classification: Uncertain significance for Acrocallosal syndrome. Last evaluated: 2022-01-15. Review status: criteria provided, single submitter. Criteria: Invitae Variant Classification Sherloc (09022015). Collection method: clinical testing. Allele origin: germline.
Comment: In summary, the available evidence is currently insufficient to determine the role of this variant in disease. Therefore, it has been classified as a Variant of Uncertain Significance. Algorithms developed to predict the effect of sequence changes on RNA splicing suggest that this variant may create or strengthen a splice site. Algorithms developed to predict the effect of missense changes on protein structure and function are either unavailable or do not agree on the potential impact of this missense change (SIFT: "Deleterious"; PolyPhen-2: "Probably Damaging"; Align-GVGD: "Class C0"). This variant has not been reported in the literature in individuals affected with KIF7-related conditions. This variant is not present in population databases (gnomAD no frequency). This sequence change replaces lysine, which is basic and polar, with arginine, which is basic and polar, at codon 305 of the KIF7 protein (p.Lys305Arg).